The following is an entry in ClinVar:

NM_000369.5(TSHR):c.69del (p.Cys24fs)

Genes: CEP128 (centrosomal protein 128; minus strand), TSHR (thyroid stimulating hormone receptor; plus strand). Cytogenetic location: 14q31.1.
Variant type: Deletion.
Coding change: c.69del on transcript NM_000369.5 (MANE Select); coding-DNA position 69, one base deleted (G; older notation c.69delG).
Protein change: p.Cys24fs; shifts the reading frame from cysteine 24.
Molecular consequence: frameshift variant.
Genome position (GRCh38, 1-based): chr14:80,955,749, G deleted; the last of 4 consecutive G bases (chr14:80,955,746-80,955,749); deleting any one gives the same sequence. VCF-style (leftmost placement, unchanged base first): chr14-80955745-TG-T. GRCh37 (hg19) VCF-style: chr14-81422089-TG-T.
Other names: c.69del, p.Cys24fs (NM_001018036.3, NM_001142626.3); short protein forms C24fs.
Identifiers: ClinVar variation 2696574 (VCV002696574.3), dbSNP rs2503156423, ClinGen allele CA2697554064.

ClinVar aggregate classification (germline): Pathogenic (1 of 4 stars; one submission).

Submission:

Labcorp Genetics (formerly Invitae), Labcorp
Classification: Pathogenic. Last evaluated: 2023-11-17. Review status: criteria provided, single submitter. Criteria: Invitae Variant Classification Sherloc (09022015). Collection method: clinical testing. Allele origin: germline.
Comment: This sequence change creates a premature translational stop signal (p.Cys24Valfs*34) in the TSHR gene. It is expected to result in an absent or disrupted protein product. Loss-of-function variants in TSHR are known to be pathogenic (PMID: 8954020). This variant is not present in population databases (gnomAD no frequency). This variant has not been reported in the literature in individuals affected with TSHR-related conditions. For these reasons, this variant has been classified as Pathogenic.

Literature cited by the submitters: PubMed 8954020.